The following is an entry in ClinVar:

NM_001163435.3(TBCK):c.597+4T>G

Gene: TBCK (TBC1 domain containing kinase; minus strand). Cytogenetic location: 4q24.
Variant type: single nucleotide variant.
Coding change: c.597+4T>G on transcript NM_001163435.3 (MANE Select); 4 bases into the intron after coding-DNA position 597, T replaced by G.
Molecular consequence: intron variant.
Genome position (GRCh38, 1-based): chr4:106,251,862, A>C on the plus strand (T>G on the coding strand, the complement: TBCK is on the minus strand). VCF-style: chr4-106251862-A-C. GRCh37 (hg19) VCF-style: chr4-107173019-A-C.
Other names: c.597+4T>G (NM_001163436.4); c.408+4T>G (NM_033115.5); c.480+121T>G (NM_001163437.3); c.81+4T>G (NM_001290768.2).
Identifiers: ClinVar variation 2107494 (VCV002107494.4), dbSNP rs1193940739, ClinGen allele CA784894696.

ClinVar aggregate classification (germline): Uncertain significance (1 of 4 stars; one submission).

Allele frequency attached by ClinVar (database versions not stated): TOPMed below 0.00001; gnomAD 0.00001.
gnomAD v4.1: 4 of 1,586,126 alleles (0.00025%); highest among the groups gnomAD compares: Non-Finnish European, 0.00034%; no homozygotes.

Submission:

Labcorp Genetics (formerly Invitae), Labcorp
Classification: Uncertain significance. Last evaluated: 2022-03-06. Review status: criteria provided, single submitter. Criteria: Invitae Variant Classification Sherloc (09022015). Collection method: clinical testing. Allele origin: germline.
Comment: This sequence change falls in intron 6 of the TBCK gene. It does not directly change the encoded amino acid sequence of the TBCK protein. It affects a nucleotide within the consensus splice site. This variant is not present in population databases (gnomAD no frequency). This variant has not been reported in the literature in individuals affected with TBCK-related conditions. Variants that disrupt the consensus splice site are a relatively common cause of aberrant splicing (PMID: 17576681, 9536098). Algorithms developed to predict the effect of sequence changes on RNA splicing suggest that this variant is not likely to affect RNA splicing. In summary, the available evidence is currently insufficient to determine the role of this variant in disease. Therefore, it has been classified as a Variant of Uncertain Significance.

Literature cited by the submitters: PubMed 17576681; PubMed 9536098.